The following is an entry in ClinVar:

ClinVar aggregate classification (germline): Uncertain significance. Review status: criteria provided, multiple submitters, no conflicts (2 of 4 stars). 2 submissions from 2 submitters: Uncertain significance (2). Last evaluated 2023-04-22.

Conditions:
Cardiovascular phenotype. Identifiers: MedGen CN230736.
Dilated cardiomyopathy 1KK (CMD1KK). Identifiers: Orphanet 154, Orphanet 75249, MedGen C3714995, MONDO:0014100, OMIM 615248.

Allele frequency attached by ClinVar (database versions not stated): gnomAD exomes below 0.00001; ExAC 0.00001.
gnomAD v4.1: 2 of 1,612,632 alleles (0.00012%); highest among the groups gnomAD compares: South Asian, 0.0022%; no homozygotes.

Submissions (2):

Ambry Genetics
Classification: Uncertain significance for Cardiovascular phenotype. Last evaluated: 2023-04-22. Review status: criteria provided, single submitter. Criteria: Ambry Variant Classification Scheme 2023. Collection method: clinical testing. Allele origin: germline.
Comment: The p.I6T variant (also known as c.17T>C), located in coding exon 1 of the MYPN gene, results from a T to C substitution at nucleotide position 17. The isoleucine at codon 6 is replaced by threonine, an amino acid with similar properties. This amino acid position is conserved. In addition, this alteration is predicted to be tolerated by in silico analysis. Since supporting evidence is limited at this time, the clinical significance of this alteration remains unclear.

Labcorp Genetics (formerly Invitae), Labcorp
Classification: Uncertain significance for Dilated cardiomyopathy 1KK. Last evaluated: 2018-08-11. Review status: criteria provided, single submitter. Criteria: Invitae Variant Classification Sherloc (09022015). Collection method: clinical testing. Allele origin: germline.
Comment: Algorithms developed to predict the effect of missense changes on protein structure and function (SIFT, PolyPhen-2, Align-GVGD) all suggest that this variant is likely to be tolerated, but these predictions have not been confirmed by published functional studies and their clinical significance is uncertain. This sequence change replaces isoleucine with threonine at codon 6 of the MYPN protein (p.Ile6Thr). The isoleucine residue is moderately conserved and there is a moderate physicochemical difference between isoleucine and threonine. This variant is present in population databases (rs774766927, ExAC 0.006%). This variant has not been reported in the literature in individuals with MYPN-related disease. In summary, the available evidence is currently insufficient to determine the role of this variant in disease. Therefore, it has been classified as a Variant of Uncertain Significance.

NM_032578.4(MYPN):c.17T>C (p.Ile6Thr)

Gene: MYPN (myopalladin; plus strand). Cytogenetic location: 10q21.3.
Variant type: single nucleotide variant.
Coding change: c.17T>C on transcript NM_032578.4 (MANE Select); coding-DNA position 17, T replaced by C.
Protein change: p.Ile6Thr; replaces isoleucine 6 with threonine.
Molecular consequence: missense variant. On other transcripts: 5 prime UTR variant (1), non-coding transcript variant (1).
Genome position (GRCh38, 1-based): chr10:68,121,455, T>C. VCF-style: chr10-68121455-T-C. GRCh37 (hg19) VCF-style: chr10-69881212-T-C.
Other names: c.17T>C, p.Ile6Thr (NM_001256267.2); c.-1106T>C (NM_001256268.2); c.17T>C (NM_032578.2); short protein forms I6T.
Identifiers: ClinVar variation 646574 (VCV000646574.10), dbSNP rs774766927, ClinGen allele CA5522205.